The following is an entry in ClinVar:

NM_017780.4(CHD7):c.8060A>G (p.Asp2687Gly)

Gene: CHD7 (chromodomain helicase DNA binding protein 7; plus strand). Cytogenetic location: 8q12.2.
Variant type: single nucleotide variant.
Coding change: c.8060A>G on transcript NM_017780.4 (MANE Select); coding-DNA position 8060, A replaced by G.
Protein change: p.Asp2687Gly; replaces aspartic acid 2687 with glycine.
Molecular consequence: missense variant.
Genome position (GRCh38, 1-based): chr8:60,862,636, A>G. VCF-style: chr8-60862636-A-G. GRCh37 (hg19) VCF-style: chr8-61775195-A-G.
Other names: c.1913A>G, p.Asp638Gly (NM_001316690.1); short protein forms D2687G, D638G.
Identifiers: ClinVar variation 3684986 (VCV003684986.2).

ClinVar aggregate classification (germline): Uncertain significance (1 of 4 stars; one submission).

Conditions:
CHARGE syndrome (CHARGE). Also called: Hittner Hirsch Kreh syndrome; CHARGE ASSOCIATION--COLOBOMA, HEART ANOMALY, CHOANAL ATRESIA, RETARDATION, GENITAL AND EAR ANOMALIES; Coloboma, heart anomaly, choanal atresia, retardation, genital and ear anomalies; CHARGE association; Hall-Hittner syndrome. Identifiers: Orphanet 138, MedGen C0265354, MONDO:0008965.

Submission:

Labcorp Genetics (formerly Invitae), Labcorp
Classification: Uncertain significance for CHARGE syndrome. Last evaluated: 2024-11-13. Review status: criteria provided, single submitter. Criteria: Invitae Variant Classification Sherloc (09022015). Collection method: clinical testing. Allele origin: germline.
Comment: This sequence change replaces aspartic acid, which is acidic and polar, with glycine, which is neutral and non-polar, at codon 2687 of the CHD7 protein (p.Asp2687Gly). This variant is not present in population databases (gnomAD no frequency). This variant has not been reported in the literature in individuals affected with CHD7-related conditions. Invitae Evidence Modeling of protein sequence and biophysical properties (such as structural, functional, and spatial information, amino acid conservation, physicochemical variation, residue mobility, and thermodynamic stability) indicates that this missense variant is not expected to disrupt CHD7 protein function with a negative predictive value of 95%. In summary, the available evidence is currently insufficient to determine the role of this variant in disease. Therefore, it has been classified as a Variant of Uncertain Significance.